The following is an entry in ClinVar:

ClinVar aggregate classification (germline): Uncertain significance (1 of 4 stars; one submission).

Conditions:
Cardiovascular phenotype. Identifiers: MedGen CN230736.

Submission:

Ambry Genetics
Classification: Uncertain significance for Cardiovascular phenotype. Last evaluated: 2025-07-21. Review status: criteria provided, single submitter. Criteria: Ambry Variant Classification Scheme 2023. Collection method: clinical testing. Allele origin: germline.
Comment: The p.P1985A variant (also known as c.5953C>G), located in coding exon 16 of the TNXB gene, results from a C to G substitution at nucleotide position 5953. The proline at codon 1985 is replaced by alanine, an amino acid with highly similar properties. This amino acid position is conserved. In addition, this alteration is predicted to be tolerated by in silico analysis. Based on the available evidence, the clinical significance of this variant remains unclear.

NM_001365276.2(TNXB):c.5953C>G (p.Pro1985Ala)

Gene: TNXB (tenascin XB; minus strand). Cytogenetic location: 6p21.33.
Variant type: single nucleotide variant.
Coding change: c.5953C>G on transcript NM_001365276.2 (MANE Select); coding-DNA position 5953, C replaced by G.
Protein change: p.Pro1985Ala; replaces proline 1985 with alanine.
Molecular consequence: missense variant.
Genome position (GRCh38, 1-based): chr6:32,068,657, G>C on the plus strand (C>G on the coding strand, the complement: TNXB is on the minus strand). VCF-style: chr6-32068657-G-C. GRCh37 (hg19) VCF-style: chr6-32036434-G-C.
Other names: c.6694C>G, p.Pro2232Ala (NM_001428335.1); c.5953C>G, p.Pro1985Ala (NM_019105.8); short protein forms P2232A, P1985A.
Identifiers: ClinVar variation 4188696 (VCV004188696.1).